The following is an entry in ClinVar:

NM_001999.4(FBN2):c.4769G>C (p.Ser1590Thr)

Gene: FBN2 (fibrillin 2; minus strand). Cytogenetic location: 5q23.3.
Variant type: single nucleotide variant.
Coding change: c.4769G>C on transcript NM_001999.4 (MANE Select); coding-DNA position 4769, G replaced by C.
Protein change: p.Ser1590Thr; replaces serine 1590 with threonine.
Molecular consequence: missense variant.
Genome position (GRCh38, 1-based): chr5:128,312,744, C>G on the plus strand (G>C on the coding strand, the complement: FBN2 is on the minus strand). VCF-style: chr5-128312744-C-G. GRCh37 (hg19) VCF-style: chr5-127648436-C-G.
Other names: short protein forms S1590T.
Identifiers: ClinVar variation 3664729 (VCV003664729.2).

ClinVar aggregate classification (germline): Uncertain significance (1 of 4 stars; one submission).

Conditions:
Congenital contractural arachnodactyly (CCA). Also called: BEALS SYNDROME; Arthrogryposis, distal, type 9; Beals-Hecht syndrome. Identifiers: Orphanet 115, MedGen C0220668, MONDO:0007363, OMIM 121050.

Submission:

Labcorp Genetics (formerly Invitae), Labcorp
Classification: Uncertain significance for Congenital contractural arachnodactyly. Last evaluated: 2024-12-31. Review status: criteria provided, single submitter. Criteria: Invitae Variant Classification Sherloc (09022015). Collection method: clinical testing. Allele origin: germline.
Comment: This sequence change replaces serine, which is neutral and polar, with threonine, which is neutral and polar, at codon 1590 of the FBN2 protein (p.Ser1590Thr). This variant is not present in population databases (gnomAD no frequency). This variant has not been reported in the literature in individuals affected with FBN2-related conditions. Invitae Evidence Modeling of protein sequence and biophysical properties (such as structural, functional, and spatial information, amino acid conservation, physicochemical variation, residue mobility, and thermodynamic stability) indicates that this missense variant is not expected to disrupt FBN2 protein function with a negative predictive value of 80%. In summary, the available evidence is currently insufficient to determine the role of this variant in disease. Therefore, it has been classified as a Variant of Uncertain Significance.